The following is an entry in ClinVar:

NM_138694.4(PKHD1):c.8870T>C (p.Ile2957Thr)

Gene: PKHD1 (PKHD1 ciliary IPT domain containing fibrocystin/polyductin; minus strand). Cytogenetic location: 6p12.3.
Variant type: single nucleotide variant.
Coding change: c.8870T>C on transcript NM_138694.4 (MANE Select); coding-DNA position 8870, T replaced by C.
Protein change: p.Ile2957Thr; replaces isoleucine 2957 with threonine.
Molecular consequence: missense variant.
Genome position (GRCh38, 1-based): chr6:51,753,281, A>G on the plus strand (T>C on the coding strand, the complement: PKHD1 is on the minus strand). VCF-style: chr6-51753281-A-G. GRCh37 (hg19) VCF-style: chr6-51618079-A-G.
Other names: c.8870T>C, p.Ile2957Thr (NM_170724.3); c.8870T>C (NM_170724.2); short protein forms I2957T.
Identifiers: ClinVar variation 357423 (VCV000357423.68), dbSNP rs760222236, ClinGen allele CA3851503.

ClinVar aggregate classification (germline): Pathogenic. Review status: criteria provided, multiple submitters, no conflicts (2 of 4 stars). 15 submissions from 15 submitters: Pathogenic (13). 2 of the submissions do not count toward it. Last evaluated 2026-01-28.

Conditions:
Polycystic kidney disease. Also called: Polycystic kidney dysplasia; Kidney, Polycystic. Identifiers: MedGen C0022680, MeSH D007690, MONDO:0020642, HP:0000113.
Biliary tract abnormality. Identifiers: MedGen C0549613, MONDO:0004868, HP:0001080.
Autosomal recessive polycystic kidney disease (ARPKD). Also called: AR polycystic kidney disease. Identifiers: Orphanet 731, Orphanet 8378, MedGen C0085548, MeSH D017044, MONDO:0009889.
Polycystic kidney disease 4 (PKD4). Also called: POLYCYSTIC KIDNEY DISEASE 4 WITH OR WITHOUT POLYCYSTIC LIVER DISEASE; Autosomal Recessive Polycystic Kidney Disease – PKHD1; POLYCYSTIC KIDNEY AND HEPATIC DISEASE 1; POLYCYSTIC KIDNEY DISEASE, INFANTILE, TYPE I; PKD3. Identifiers: MedGen C4540575, MONDO:0033004, OMIM 263200.
PKHD1-related disorder. Also called: PKHD1-related condition.

Allele frequency attached by ClinVar (database versions not stated): gnomAD exomes 0.00005 and 0.00007; gnomAD 0.00007; TOPMed 0.00007; ExAC 0.00008.
gnomAD v4.1: 109 of 1,613,724 alleles (0.0068%); highest among the groups gnomAD compares: Non-Finnish European, 0.0087%; no homozygotes.

Submissions 1 to 11 of 15:

Labcorp Genetics (formerly Invitae), Labcorp
Classification: Pathogenic for Autosomal recessive polycystic kidney disease. Last evaluated: 2026-01-28. Review status: criteria provided, single submitter. Criteria: Invitae Variant Classification Sherloc (09022015). Collection method: clinical testing. Allele origin: germline.
Comment: This sequence change replaces isoleucine, which is neutral and non-polar, with threonine, which is neutral and polar, at codon 2957 of the PKHD1 protein (p.Ile2957Thr). This variant is present in population databases (rs760222236, gnomAD 0.01%). This missense change has been observed in individual(s) with polycystic kidney disease (PMID: 11898128, 11919560, 12506140, 15698423, 15805161, 19914852, 27225849). In at least one individual the data is consistent with being in trans (on the opposite chromosome) from a pathogenic variant. ClinVar contains an entry for this variant (Variation ID: 357423). Invitae Evidence Modeling of protein sequence and biophysical properties (such as structural, functional, and spatial information, amino acid conservation, physicochemical variation, residue mobility, and thermodynamic stability) indicates that this missense variant is expected to disrupt PKHD1 protein function with a positive predictive value of 95%. For these reasons, this variant has been classified as Pathogenic.

GeneDx
Classification: Pathogenic. Last evaluated: 2025-12-11. Review status: criteria provided, single submitter. Criteria: GeneDx Variant Classification Process June 2021. Collection method: clinical testing. Allele origin: germline. Affected: yes.
Comment: Not observed at significant frequency in large population cohorts (gnomAD); In silico analysis supports that this missense variant has a deleterious effect on protein structure/function; This variant is associated with the following publications: (PMID: 38972501, 39888183, 20413436, 12846734, 19914852, 12874454, 15805161, 25701400, 15108281, 12506140, 27225849, 26385851, 11919560, 11898128, 19940839, 31980526, 32571524, 32574212, 31589614, 32939031, 37471416, 38868576)

Natera, Inc.
Classification: Pathogenic for Autosomal recessive polycystic kidney disease. Last evaluated: 2025-09-23. Review status: criteria provided, single submitter. Criteria: Natera Variant Classification Schema (03/2026). Collection method: clinical testing. Allele origin: germline.
Comment: The c.8870T>C variant in PKHD1 is a missense variant predicted to cause substitution of isoleucine to threonine at amino acid 2957. This variant is rare in the general population with a frequency below the threshold expected for the associated phenotype(s). This variant has been observed in one or more individuals affected with the associated recessive disease, as either homozygous or compound heterozygous with a second variant (PMID: 27225849, 24162162). Computational prediction algorithms indicate this variant is likely to affect gene or protein function. Given the available evidence, this variant is classified as Pathogenic.

Dasa
Classification: Pathogenic. Last evaluated: 2025-09-13. Review status: criteria provided, single submitter. Criteria: DASA Assertion Criteria. Collection method: clinical testing. Allele origin: germline.
Comment: NM_138694.4(PKHD1):c.8870T>C (p.Ile2957Thr) is a missense variant that results in the substitution of isoleucine with threonine. This variant has been observed in affected individuals with related phenotype in a genotype context consistent with recessive disease (PMID: 37471416; PMID: 29956005; PMID: 26385851; PMID: 38868576; PMID: 32939031). This variant has been recurrently observed in individuals with related phenotype (PMID: 37471416; PMID: 29956005; PMID: 26385851; PMID: 38868576; PMID: 32939031). Multiple computational predictions support a deleterious effect on the gene or gene product. The variant is present at low frequency in population datasets. Based on the available data, this variant is classified as pathogenic.

Revvity Omics, Revvity
Classification: Pathogenic for Polycystic kidney disease 4. Last evaluated: 2024-11-05. Review status: criteria provided, single submitter. Criteria: ACMG Guidelines, 2015. Collection method: clinical testing. Allele origin: germline.

Blueprint Genetics
Classification: Pathogenic for PKHD1-related disorders. Last evaluated: 2024-09-24. Review status: criteria provided, single submitter. Criteria: ACMG Guidelines, 2015. Collection method: clinical testing. Allele origin: germline. Affected: yes. Observed: 5 variant alleles.

CeGaT Center for Human Genetics Tuebingen
Classification: Pathogenic. Last evaluated: 2024-08-01. Review status: criteria provided, single submitter. Criteria: CeGaT Center For Human Genetics Tuebingen Variant Classification Criteria Version 2. Collection method: clinical testing. Allele origin: germline. Affected: yes. Observed: 1 variant allele.
Comment: PKHD1: PM3:Very Strong, PM2

Fulgent Genetics
Classification: Pathogenic for Polycystic kidney disease 4. Last evaluated: 2024-01-15. Review status: criteria provided, single submitter. Criteria: ACMG Guidelines, 2015. Collection method: clinical testing. Allele origin: germline.

Victorian Clinical Genetics Services, Murdoch Childrens Research Institute
Classification: Pathogenic for Polycystic kidney disease 4. Last evaluated: 2023-07-17. Review status: criteria provided, single submitter. Criteria: ACMG Guidelines, 2015. Collection method: clinical testing. Allele origin: germline. Inheritance: Autosomal recessive inheritance. Affected: yes.
Comment: Based on the classification scheme VCGS_Germline_v1.3.4, this variant is classified as Pathogenic. Following criteria are met: 0102 - Loss of function is a known mechanism of disease in this gene and is associated with polycystic kidney disease 4, with or without hepatic disease (MIM#263200). (I) 0106 - This gene is associated with autosomal recessive disease. (I) 0115 - Variants in this gene are known to have variable expressivity. There is significant intrafamilial variation of severity (GeneReviews). (I) 0200 - Variant is predicted to result in a missense amino acid change from isoleucine to threonine. (I) 0251 - This variant is heterozygous. (I) 0304 - Variant is present in gnomAD (v2) <0.01 for a recessive condition (15 heterozygotes, 0 homozygotes). (SP) 0501 - Missense variant consistently predicted to be damaging by multiple in silico tools or highly conserved with a major amino acid change. (SP) 0604 - Variant is not located in an established domain, motif, hotspot or informative constraint region. (I) 0704 - Another missense variant comparable to the one identified in this case has limited previous evidence for pathogenicity. This alternative change (p.(Ile2957Met)) has been reported as likely pathogenic (ClinVar). (SP) 0801 - This variant has strong previous evidence of pathogenicity in unrelated individuals. This variant has been reported many times as pathogenic, and observed in compound heterozygous individuals with polycystic kidney disease, and once in an individual with congenital hepatic fibrosis (ClinVar). (SP) 1208 - Inheritance information for this variant is not currently available in this individual. (I) Legend: (SP) - Supporting pathogenic, (I) - Information, (SB) - Supporting benign

Cambridge Genomics Laboratory, East Genomic Laboratory Hub, NHS Genomic Medicine Service
Classification: Pathogenic for Biliary tract abnormality. Last evaluated: 2019-09-16. Review status: criteria provided, single submitter. Criteria: ACGS Best Practice Guidelines for Variant Classification in Rare Disease 2020. Collection method: clinical testing. Allele origin: germline. Affected: yes. Observed: 1 variant allele.

Illumina Laboratory Services, Illumina
Classification: Pathogenic for Polycystic kidney disease 4. Last evaluated: 2017-04-27. Review status: criteria provided, single submitter. Criteria: ICSL Variant Classification Criteria 09 May 2019. Collection method: clinical testing. Allele origin: germline.
Comment: Across nine studies, the PKHD1 c.8870T>C (p.Ile2957Thr) missense variant is reported in a total of 23 patients, including 19 compound heterozygotes with autosomal recessive polycystic kidney disease (ARPKD), one compound heterozygote with Caroli's disease and congenital hepatic fibrosis with minimal kidney involvement, two ARPKD patients carrying three variants in the PKHD1 gene, and one heterozygote in whom a second variant was not identified (Onuchic et al. 2002; Ward et al. 2002; Bergmann et al. 2003; Rossetti et al. 2003; Sharp et al. 2005; Gunay-Aygun et al. 2010; Denamur et al. 2010; Brinkert et al. 2013; Melchionda et al. 2016). Additionally, the p.Ile2957Thr variant was found in a heterozygous state in three unaffected family members of patients, and is noted to segregate in a manner consistent with recessive inheritance. The variant was absent from 360 control individuals and from at least 300 control chromosomes, but is reported at a frequency of 0.00013 in the European (non-Finnish) population of the Exome Aggregation Consortium. Based on the evidence, the p.Ile2957Thr variant is classified as pathogenic for autosomal recessive polycystic kidney disease. This variant was observed by ICSL as part of a predisposition screen in an ostensibly healthy population.